The following is an entry in ClinVar:

NM_006648.4(WNK2):c.2312C>T (p.Ala771Val)

Gene: WNK2 (WNK lysine deficient protein kinase 2; plus strand). Cytogenetic location: 9q22.31.
Variant type: single nucleotide variant.
Coding change: c.2312C>T on transcript NM_006648.4 (MANE Select); coding-DNA position 2312, C replaced by T.
Protein change: p.Ala771Val; replaces alanine 771 with valine.
Molecular consequence: missense variant.
Genome position (GRCh38, 1-based): chr9:93,257,069, C>T. VCF-style: chr9-93257069-C-T. GRCh37 (hg19) VCF-style: chr9-96019351-C-T.
Other names: c.2312C>T, p.Ala771Val (NM_001282394.3); short protein forms A771V.
Identifiers: ClinVar variation 3817158 (VCV003817158.1).

ClinVar aggregate classification (germline): Uncertain significance (1 of 4 stars; one submission).

Submission:

Ambry Genetics
Classification: Uncertain significance. Last evaluated: 2025-02-25. Review status: criteria provided, single submitter. Criteria: Ambry Variant Classification Scheme 2023. Collection method: clinical testing. Allele origin: germline.
Comment: The p.A771V variant (also known as c.2312C>T), located in coding exon 10 of the WNK2 gene, results from a C to T substitution at nucleotide position 2312. The alanine at codon 771 is replaced by valine, an amino acid with similar properties. This amino acid position is conserved. In addition, this alteration is predicted to be tolerated by in silico analysis. Based on the available evidence, the clinical significance of this variant remains unclear.